The following is an entry in ClinVar:

ClinVar aggregate classification (germline): Uncertain significance (1 of 4 stars; one submission).

Submission:

GeneDx
Classification: Uncertain significance. Last evaluated: 2026-02-23. Review status: criteria provided, single submitter. Criteria: GeneDx Variant Classification Process June 2021. Collection method: clinical testing. Allele origin: germline.
Comment: Not observed at significant frequency in large population cohorts (gnomAD); In silico analysis supports that this missense variant has a deleterious effect on protein structure/function; Has not been previously published as pathogenic or benign to our knowledge

NM_001039591.3(USP9X):c.1273G>A (p.Ala425Thr)

Gene: USP9X (ubiquitin specific peptidase 9 X-linked; plus strand). Cytogenetic location: Xp11.4.
Variant type: single nucleotide variant.
Coding change: c.1273G>A on transcript NM_001039591.3 (MANE Select); coding-DNA position 1273, G replaced by A.
Protein change: p.Ala425Thr; replaces alanine 425 with threonine.
Molecular consequence: missense variant.
Genome position (GRCh38, 1-based): chrX:41,143,402, G>A. VCF-style: chrX-41143402-G-A. GRCh37 (hg19) VCF-style: chrX-41002655-G-A.
Other names: c.1273G>A, p.Ala425Thr (NM_001039590.3, NM_001410748.1, NM_001410749.1 and 1 more transcripts); short protein forms A425T.
Identifiers: ClinVar variation 5010018 (VCV005010018.1).